The following is an entry in ClinVar:

ClinVar aggregate classification (germline): Conflicting classifications of pathogenicity. Review status: criteria provided, conflicting classifications (1 of 4 stars). 3 submissions from 3 submitters: Uncertain significance (2); Likely benign (1). Last evaluated 2025-03-31.

Conditions:
Familial thoracic aortic aneurysm and aortic dissection (TAAD). Also called: Thoracic aortic aneurysms and dissections. Identifiers: Orphanet 91387, MedGen C4707243, MONDO:0019625.
Ehlers-Danlos syndrome, kyphoscoliotic type 1 (EDSKSCL1). Also called: EHLERS-DANLOS SYNDROME, TYPE VIA; PLOD1-Related Kyphoscoliotic Ehlers-Danlos Syndrome; EHLERS-DANLOS SYNDROME, OCULAR-SCOLIOTIC TYPE; Ehlers-Danlos syndrome, hydroxylysine-deficient. Identifiers: Orphanet 1900, MedGen C0268342, MONDO:0016002, OMIM 225400. Disease mechanism: loss of function.

Allele frequency attached by ClinVar (database versions not stated): gnomAD exomes below 0.00001; ExAC 0.00001; gnomAD 0.00004; TOPMed 0.00006; ESP Exome Variant Server 0.00008.
gnomAD v4.1: 18 of 1,613,752 alleles (0.0011%); highest among the groups gnomAD compares: Admixed American, 0.0033%; no homozygotes.

Submissions (3):

ARUP Laboratories, Molecular Genetics and Genomics, ARUP Laboratories
Classification: Uncertain significance for Ehlers-Danlos syndrome, kyphoscoliotic type 1. Last evaluated: 2025-03-31. Review status: criteria provided, single submitter. Criteria: ARUP Molecular Germline Variant Investigation Process 2024. Collection method: clinical testing. Allele origin: germline.
Comment: The PLOD1 c.874G>A; p.Val292Met variant (rs143114026), to our knowledge, is not reported in the medical literature but is reported in ClinVar (Variation ID: 644206). This variant is only observed on three alleles in the Genome Aggregation Database (v2.1.1), indicating it is not a common polymorphism. Computational analyses predict that this variant is neutral (REVEL: 0.148). However, given the lack of clinical and functional data, the significance of this variant is uncertain at this time.

Labcorp Genetics (formerly Invitae), Labcorp
Classification: Uncertain significance for Ehlers-Danlos syndrome, kyphoscoliotic type 1. Last evaluated: 2022-02-08. Review status: criteria provided, single submitter. Criteria: Invitae Variant Classification Sherloc (09022015). Collection method: clinical testing. Allele origin: germline.
Comment: This sequence change replaces valine, which is neutral and non-polar, with methionine, which is neutral and non-polar, at codon 292 of the PLOD1 protein (p.Val292Met). The frequency data for this variant in the population databases is considered unreliable, as metrics indicate poor data quality at this position in the gnomAD database. This variant has not been reported in the literature in individuals affected with PLOD1-related conditions. ClinVar contains an entry for this variant (Variation ID: 644206). Algorithms developed to predict the effect of missense changes on protein structure and function output the following: SIFT: "Deleterious"; PolyPhen-2: "Benign"; Align-GVGD: "Class C0". The methionine amino acid residue is found in multiple mammalian species, which suggests that this missense change does not adversely affect protein function. In summary, the available evidence is currently insufficient to determine the role of this variant in disease. Therefore, it has been classified as a Variant of Uncertain Significance.

Ambry Genetics
Classification: Likely benign for Familial thoracic aortic aneurysm and aortic dissection. Last evaluated: 2021-08-12. Review status: criteria provided, single submitter. Criteria: Ambry Variant Classification Scheme 2023. Collection method: clinical testing. Allele origin: germline.

NM_000302.4(PLOD1):c.874G>A (p.Val292Met)

Gene: PLOD1 (procollagen-lysine,2-oxoglutarate 5-dioxygenase 1; plus strand). Cytogenetic location: 1p36.22.
Variant type: single nucleotide variant.
Coding change: c.874G>A on transcript NM_000302.4 (MANE Select); coding-DNA position 874, G replaced by A.
Protein change: p.Val292Met; replaces valine 292 with methionine.
Molecular consequence: missense variant.
Genome position (GRCh38, 1-based): chr1:11,958,546, G>A. VCF-style: chr1-11958546-G-A. GRCh37 (hg19) VCF-style: chr1-12018603-G-A.
Other names: c.1015G>A, p.Val339Met (NM_001316320.2); short protein forms V339M, V292M.
Identifiers: ClinVar variation 644206 (VCV000644206.11), dbSNP rs143114026, ClinGen allele CA598185.